The following is an entry in ClinVar:

ClinVar aggregate classification (germline): Conflicting classifications of pathogenicity. Review status: criteria provided, conflicting classifications (1 of 4 stars). 3 submissions from 3 submitters: Uncertain significance (2); Likely benign (1). Last evaluated 2024-01-01.

Conditions:
Ehlers-Danlos syndrome, type 4 (EDSVASC). Also called: Ehlers-Danlos Syndrome Type IV; Ehlers-Danlos syndrome vascular type; Ehlers Danlos syndrome, ecchymotic type; Ehlers Danlos syndrome, arterial type; Ehlers Danlos syndrome, Sack-Barabas type. Identifiers: Orphanet 286, MedGen C0268338, MONDO:0017314, OMIM 130050.

Allele frequency attached by ClinVar (database versions not stated): gnomAD exomes 0.00001; TOPMed 0.00001; gnomAD 0.00003.
gnomAD v4.1: 9 of 1,613,928 alleles (0.00056%); highest among the groups gnomAD compares: Non-Finnish European, 0.00051%; no homozygotes.

Submissions (3):

Labcorp Genetics (formerly Invitae), Labcorp
Classification: Likely benign for Ehlers-Danlos syndrome, type 4. Last evaluated: 2024-01-01. Review status: criteria provided, single submitter. Criteria: Invitae Variant Classification Sherloc (09022015). Collection method: clinical testing. Allele origin: germline.

All of Us Research Program, National Institutes of Health
Classification: Uncertain significance for Ehlers-Danlos syndrome, type 4. Last evaluated: 2023-06-08. Review status: criteria provided, single submitter. Criteria: ACMG Guidelines, 2015. Collection method: clinical testing. Allele origin: germline. Inheritance: Autosomal dominant inheritance. Observed: 1 variant allele, 1 heterozygote.
Comment: This variant causes a C to A nucleotide substitution at the -11 position of intron 49 of the COL3A1 gene. To our knowledge, functional studies have not been reported for this variant. This variant has not been reported in individuals affected with COL3A1-related disorders in the literature. This variant has been identified in 4/31400 chromosomes in the general population by the Genome Aggregation Database (gnomAD). The available evidence is insufficient to determine the role of this variant in disease conclusively. Therefore, this variant is classified as a Variant of Uncertain Significance.

This study involves interpretation of variants in research participants for the purpose of population health screening. Participant phenotype was not available at the time of variant classification. Additional details can be found in publication PMID: 35346344, PMCID: PMC8962531

Blueprint Genetics
Classification: Uncertain significance. Last evaluated: 2020-01-30. Review status: criteria provided, single submitter. Criteria: ACMG Guidelines, 2015. Collection method: clinical testing. Allele origin: germline.

NM_000090.4(COL3A1):c.4012-11C>A

Gene: COL3A1 (collagen type III alpha 1 chain; plus strand). Cytogenetic location: 2q32.2.
Variant type: single nucleotide variant.
Coding change: c.4012-11C>A on transcript NM_000090.4 (MANE Select); 11 bases into the intron before coding-DNA position 4012, C replaced by A.
Molecular consequence: intron variant.
Genome position (GRCh38, 1-based): chr2:189,010,637, C>A. VCF-style: chr2-189010637-C-A. GRCh37 (hg19) VCF-style: chr2-189875363-C-A.
Identifiers: ClinVar variation 3014467 (VCV003014467.5), dbSNP rs1045459966, ClinGen allele CA62564273.